The following is an entry in ClinVar:

ClinVar aggregate classification (germline): Pathogenic (1 of 4 stars; one submission).

Conditions:
GLUT1 deficiency syndrome 1, autosomal recessive. Identifiers: MedGen C3149117.

Submission:

Labcorp Genetics (formerly Invitae), Labcorp
Classification: Pathogenic for GLUT1 deficiency syndrome 1, autosomal recessive. Last evaluated: 2024-06-05. Review status: criteria provided, single submitter. Criteria: Invitae Variant Classification Sherloc (09022015). Collection method: clinical testing. Allele origin: germline.
Comment: This sequence change replaces glycine, which is neutral and non-polar, with aspartic acid, which is acidic and polar, at codon 332 of the SLC2A1 protein (p.Gly332Asp). This variant is not present in population databases (gnomAD no frequency). This missense change has been observed in individual(s) with clinical features of GLUT1-deficiency syndrome (Invitae). In at least one individual the variant was observed to be de novo. Advanced modeling of protein sequence and biophysical properties (such as structural, functional, and spatial information, amino acid conservation, physicochemical variation, residue mobility, and thermodynamic stability) performed at Invitae indicates that this missense variant is expected to disrupt SLC2A1 protein function with a positive predictive value of 95%. For these reasons, this variant has been classified as Pathogenic.

NM_006516.4(SLC2A1):c.995G>A (p.Gly332Asp)

Gene: SLC2A1 (solute carrier family 2 member 1; minus strand). Cytogenetic location: 1p34.2.
Variant type: single nucleotide variant.
Coding change: c.995G>A on transcript NM_006516.4 (MANE Select); coding-DNA position 995, G replaced by A.
Protein change: p.Gly332Asp; replaces glycine 332 with aspartic acid.
Molecular consequence: missense variant.
Genome position (GRCh38, 1-based): chr1:42,929,011, C>T on the plus strand (G>A on the coding strand, the complement: SLC2A1 is on the minus strand). VCF-style: chr1-42929011-C-T. GRCh37 (hg19) VCF-style: chr1-43394682-C-T.
Other names: short protein forms G332D.
Identifiers: ClinVar variation 2855633 (VCV002855633.3), dbSNP rs1363752047, ClinGen allele CA339956030.
Genomic context (GRCh38, chr1:42,929,011, plus strand): 5'-GTCATGAGTATGGCACAACCCGCCATGCCAGCGAGGCCTATGAGGTGCAGGGTCCGCCGG[C>T]CTGCTCGCTCCACCACAAACAGCTGTGGGCAGAGACAGTGTCAGTGCCACCCCTGCCTAG-3'
Protein context (NP_006507.2, residues 322-342): VVSLFVVERA[Gly332Asp]RRTLHLIGLA